The following is an entry in ClinVar:

ClinVar aggregate classification (germline): Uncertain significance. Review status: criteria provided, multiple submitters, no conflicts (2 of 4 stars). 3 submissions from 3 submitters: Uncertain significance (3). Last evaluated 2025-09-22.

Conditions:
Inborn genetic diseases. Identifiers: MedGen C0950123, MeSH D030342.
Spinocerebellar ataxia type 15/16 (SCA15). Also called: Spinocerebellar Ataxia Type 15. Identifiers: Orphanet 98769, MedGen C1847725, MONDO:0011694, OMIM 606658.
Spinocerebellar ataxia type 29 (SCA29). Also called: Spinocerebellar ataxia 29, congenital nonprogressive; CEREBELLAR ATAXIA, CONGENITAL NONPROGRESSIVE, AUTOSOMAL DOMINANT. Identifiers: Orphanet 208513, MedGen C1861732, MONDO:0007298, OMIM 117360.
Gillespie syndrome (GLSP). Also called: Aniridia-cerebellar ataxia-intellectual disability syndrome; Aniridia, cerebellar ataxia, and mental deficiency. Identifiers: Orphanet 1065, MedGen C0431401, MONDO:0008795, OMIM 206700.

gnomAD v4.1: 6 of 1,613,610 alleles (0.00037%); highest among the groups gnomAD compares: Non-Finnish European, 0.00051%; no homozygotes.

Submissions (3):

Labcorp Genetics (formerly Invitae), Labcorp
Classification: Uncertain significance. Last evaluated: 2025-09-22. Review status: criteria provided, single submitter. Criteria: Invitae Variant Classification Sherloc (09022015). Collection method: clinical testing. Allele origin: germline.
Comment: This sequence change replaces arginine, which is basic and polar, with cysteine, which is neutral and slightly polar, at codon 1934 of the ITPR1 protein (p.Arg1934Cys). This variant is not present in population databases (gnomAD no frequency). This variant has not been reported in the literature in individuals affected with ITPR1-related conditions. ClinVar contains an entry for this variant (Variation ID: 3861878). Invitae Evidence Modeling of protein sequence and biophysical properties (such as structural, functional, and spatial information, amino acid conservation, physicochemical variation, residue mobility, and thermodynamic stability) indicates that this missense variant is expected to disrupt ITPR1 protein function with a positive predictive value of 95%. In summary, the available evidence is currently insufficient to determine the role of this variant in disease. Therefore, it has been classified as a Variant of Uncertain Significance.

Ambry Genetics
Classification: Uncertain significance for Inborn genetic diseases. Last evaluated: 2024-12-25. Review status: criteria provided, single submitter. Criteria: Ambry Variant Classification Scheme 2023. Collection method: clinical testing. Allele origin: germline.

Juno Genomics, Hangzhou Juno Genomics, Inc
Classification: Uncertain significance for Gillespie syndrome; Spinocerebellar ataxia type 15/16; Spinocerebellar ataxia type 29. Review status: criteria provided, single submitter. Criteria: ACMG Guidelines, 2015. Collection method: clinical testing. Allele origin: germline.
Comment: Missense variant in a gene that has a low rate of benign missense variation.;Multiple lines of computational evidence support a deleterious effect on the gene or gene product.;Absent from controls (or at extremely low frequency if recessive) in Genome Aggregation Database.

NM_001378452.1(ITPR1):c.5989C>T (p.Arg1997Cys)

Gene: ITPR1 (inositol 1,4,5-trisphosphate receptor type 1; plus strand). Cytogenetic location: 3p26.1.
Variant type: single nucleotide variant.
Coding change: c.5989C>T on transcript NM_001378452.1 (MANE Select); coding-DNA position 5989, C replaced by T.
Protein change: p.Arg1997Cys; replaces arginine 1997 with cysteine.
Molecular consequence: missense variant.
Genome position (GRCh38, 1-based): chr3:4,775,251, C>T. VCF-style: chr3-4775251-C-T. GRCh37 (hg19) VCF-style: chr3-4816935-C-T.
Other names: c.5845C>T, p.Arg1949Cys (NM_001099952.4); c.5944C>T, p.Arg1982Cys (NM_001168272.2); c.5800C>T, p.Arg1934Cys (NM_002222.7); short protein forms R1934C, R1997C, R1982C, R1949C.
Identifiers: ClinVar variation 3861878 (VCV003861878.4).